The following is an entry in ClinVar:

NM_000051.4(ATM):c.6199-110T>C

Genes: ATM (ATM serine/threonine kinase; plus strand), C11orf65 (chromosome 11 open reading frame 65; minus strand). Cytogenetic location: 11q22.3.
Variant type: single nucleotide variant.
Coding change: c.6199-110T>C on transcript NM_000051.4 (MANE Select); 110 bases into the intron before coding-DNA position 6199, T replaced by C.
Molecular consequence: intron variant.
Genome position (GRCh38, 1-based): chr11:108,317,263, T>C. VCF-style: chr11-108317263-T-C. GRCh37 (hg19) VCF-style: chr11-108187990-T-C.
Other names: c.6199-110T>C (NM_001351834.2); c.641-8192A>G (NM_001330368.2); c.*39-8192A>G (NM_001351110.2).
Identifiers: ClinVar variation 4083623 (VCV004083623.8).

ClinVar aggregate classification (germline): Likely benign (1 of 4 stars; one submission).

gnomAD v4.1: 8,462 of 1,177,382 alleles (0.72%); highest among the groups gnomAD compares: Non-Finnish European, 0.94%; 48 homozygotes.

Submission:

CeGaT Center for Human Genetics Tuebingen
Classification: Likely benign. Last evaluated: 2026-09-01. Review status: criteria provided, single submitter. Criteria: CeGaT Center For Human Genetics Tuebingen Variant Classification Criteria Version 2. Collection method: clinical testing. Allele origin: germline. Affected: yes. Observed: 25 variant alleles.
Comment: ATM: BS2